The following is an entry in ClinVar:

ClinVar aggregate classification (germline): Conflicting classifications of pathogenicity. Review status: criteria provided, conflicting classifications (1 of 4 stars). 6 submissions from 6 submitters: Uncertain significance (1); Likely benign (3). 2 of the submissions do not count toward it. Last evaluated 2025-11-19.

Conditions:
Mucopolysaccharidosis, MPS-III-A (MPS3A). Also called: MUCOPOLYSACCHARIDOSIS, TYPE IIIA, ATTENUATED; HEPARAN SULFATE SULFATASE DEFICIENCY; SANFILIPPO SYNDROME A; SULFAMIDASE DEFICIENCY; Mucopolysaccharidosis, type IIIA; MPS III A. Identifiers: Orphanet 581, Orphanet 79269, MedGen C0086647, MONDO:0009655, OMIM 252900.
SGSH-related disorder. Also called: SGSH-related condition.

Allele frequency attached by ClinVar (database versions not stated): gnomAD exomes 0.00002 and 0.00005; ESP Exome Variant Server 0.00008; ExAC 0.00003; gnomAD 0.00006; TOPMed 0.00008.
gnomAD v4.1: 40 of 1,613,778 alleles (0.0025%); highest among the groups gnomAD compares: Admixed American, 0.015%; no homozygotes.

Submissions (6):

Labcorp Genetics (formerly Invitae), Labcorp
Classification: Likely benign for Mucopolysaccharidosis, MPS-III-A. Last evaluated: 2025-11-19. Review status: criteria provided, single submitter. Criteria: Invitae Variant Classification Sherloc (09022015). Collection method: clinical testing. Allele origin: germline.

Blueprint Genetics
Classification: Likely benign. Last evaluated: 2022-11-28. Review status: criteria provided, single submitter. Criteria: ACMG Guidelines, 2015. Collection method: clinical testing. Allele origin: germline.

Genome-Nilou Lab
Classification: Likely benign for Mucopolysaccharidosis, MPS-III-A. Last evaluated: 2021-11-07. Review status: criteria provided, single submitter. Criteria: ACMG Guidelines, 2015. Collection method: clinical testing. Allele origin: germline. Affected: no.

Illumina Laboratory Services, Illumina
Classification: Uncertain significance for Mucopolysaccharidosis, MPS-III-A. Last evaluated: 2017-04-27. Review status: criteria provided, single submitter. Criteria: ICSL Variant Classification Criteria 13 December 2019. Collection method: clinical testing. Allele origin: germline.

PreventionGenetics, part of Exact Sciences
Classification: Likely benign for SGSH-related condition. Last evaluated: 2024-08-27. Review status: no assertion criteria provided. Collection method: clinical testing. Allele origin: germline. Not counted in ClinVar's aggregate classification.
Comment: This variant is classified as likely benign based on ACMG/AMP sequence variant interpretation guidelines (Richards et al. 2015 PMID: 25741868, with internal and published modifications).

Natera, Inc.
Classification: Uncertain significance for Mucopolysaccharidosis type IIIA. Last evaluated: 2020-01-17. Review status: no assertion criteria provided. Collection method: clinical testing. Allele origin: germline. Not counted in ClinVar's aggregate classification.

NM_000199.5(SGSH):c.1302G>A (p.Ala434=)

Gene: SGSH (N-sulfoglucosamine sulfohydrolase; minus strand). Cytogenetic location: 17q25.3.
Variant type: single nucleotide variant.
Coding change: c.1302G>A on transcript NM_000199.5 (MANE Select); coding-DNA position 1302, G replaced by A.
Protein change: p.Ala434=; no amino-acid change (alanine 434 retained).
Molecular consequence: synonymous variant. On other transcripts: 3 prime UTR variant (2), non-coding transcript variant (1).
Genome position (GRCh38, 1-based): chr17:80,210,659, C>T on the plus strand (G>A on the coding strand, the complement: SGSH is on the minus strand). VCF-style: chr17-80210659-C-T. GRCh37 (hg19) VCF-style: chr17-78184458-C-T.
Other names: c.*389G>A (NM_001352921.3); c.*352G>A (NM_001352922.2).
Identifiers: ClinVar variation 729974 (VCV000729974.20), dbSNP rs376787615, ClinGen allele CA8817620.